The following is an entry in ClinVar:

ClinVar aggregate classification (germline): Uncertain significance. Review status: criteria provided, multiple submitters, no conflicts (2 of 4 stars). 2 submissions from 2 submitters: Uncertain significance (2). Last evaluated 2024-08-22.

Conditions:
Hereditary cancer-predisposing syndrome. Also called: Tumor predisposition; Hereditary neoplastic syndrome; Hereditary Cancer Syndrome; Neoplastic Syndromes, Hereditary. Identifiers: Orphanet 140162, MedGen C0027672, MeSH D009386, MONDO:0015356.

Allele frequency attached by ClinVar (database versions not stated): gnomAD exomes below 0.00001 and 0.00001; ExAC 0.00001.
gnomAD v4.1: 9 of 1,614,052 alleles (0.00056%); highest among the groups gnomAD compares: Non-Finnish European, 0.00076%; no homozygotes.

Submissions (2):

Ambry Genetics
Classification: Uncertain significance for Hereditary cancer-predisposing syndrome. Last evaluated: 2024-08-22. Review status: criteria provided, single submitter. Criteria: Ambry Variant Classification Scheme 2023. Collection method: clinical testing. Allele origin: germline.
Comment: The p.G149V variant (also known as c.446G>T), located in coding exon 5 of the BMPR1A gene, results from a G to T substitution at nucleotide position 446. The glycine at codon 149 is replaced by valine, an amino acid with dissimilar properties. This amino acid position is conserved. In addition, the in silico prediction for this alteration is inconclusive. Based on the available evidence, the clinical significance of this variant remains unclear.

Color Diagnostics, LLC DBA Color Health
Classification: Uncertain significance for Hereditary cancer-predisposing syndrome. Last evaluated: 2024-03-06. Review status: criteria provided, single submitter. Criteria: ACMG Guidelines, 2015. Collection method: clinical testing. Allele origin: germline.
Comment: This missense variant replaces glycine with valine at codon 149 of the BMPR1A protein. Computational prediction suggests that this variant may not impact protein structure and function (internally defined REVEL score threshold <= 0.5, PMID: 27666373). To our knowledge, functional studies have not been reported for this variant. This variant has not been reported in individuals affected with hereditary cancer in the literature. This variant has been identified in 1/251370 chromosomes in the general population by the Genome Aggregation Database (gnomAD). The available evidence is insufficient to determine the role of this variant in disease conclusively. Therefore, this variant is classified as a Variant of Uncertain Significance.

NM_004329.3(BMPR1A):c.446G>T (p.Gly149Val)

Gene: BMPR1A (bone morphogenetic protein receptor type 1A; plus strand). Cytogenetic location: 10q23.2.
Variant type: single nucleotide variant.
Coding change: c.446G>T on transcript NM_004329.3 (MANE Select); coding-DNA position 446, G replaced by T.
Protein change: p.Gly149Val; replaces glycine 149 with valine.
Molecular consequence: missense variant.
Genome position (GRCh38, 1-based): chr10:86,900,042, G>T. VCF-style: chr10-86900042-G-T. GRCh37 (hg19) VCF-style: chr10-88659799-G-T.
Other names: short protein forms G149V.
Identifiers: ClinVar variation 1171951 (VCV001171951.4), dbSNP rs773689557, ClinGen allele CA5585526.